The following is an entry in ClinVar:

NM_144672.4(OTOA):c.92-11C>A

Gene: OTOA (otoancorin). Cytogenetic location: 16p12.2.
Variant type: single nucleotide variant.
Coding change: c.92-11C>A on transcript NM_144672.4 (MANE Select); 11 bases into the intron before coding-DNA position 92, C replaced by A.
Molecular consequence: intron variant.
Genome position (GRCh38, 1-based): chr16:21,678,904, C>A. VCF-style: chr16-21678904-C-A. GRCh37 (hg19) VCF-style: chr16-21690225-C-A.
Identifiers: ClinVar variation 164815 (VCV000164815.16), dbSNP rs117553471, ClinGen allele CA177521.

ClinVar aggregate classification (germline): Benign. Review status: criteria provided, multiple submitters, no conflicts (2 of 4 stars). 3 submissions from 3 submitters: Benign (3). Last evaluated 2026-02-02.

Allele frequency attached by ClinVar (database versions not stated): ESP Exome Variant Server 0.00038; TOPMed 0.00420; gnomAD 0.00797 and 0.00892; 1000 Genomes Project 30x 0.02108; 1000 Genomes Project 0.02236.
gnomAD v4.1: 8,761 of 1,612,590 alleles (0.54%); highest among the groups gnomAD compares: East Asian, 6.8%; 292 homozygotes.

Submissions (4):

Labcorp Genetics (formerly Invitae), Labcorp
Classification: Benign. Last evaluated: 2026-02-02. Review status: criteria provided, single submitter. Criteria: Invitae Variant Classification Sherloc (09022015). Collection method: clinical testing. Allele origin: germline.

GeneDx
Classification: Benign. Last evaluated: 2018-07-17. Review status: criteria provided, single submitter. Criteria: GeneDx Variant Classification Process June 2021. Collection method: clinical testing. Allele origin: germline. Affected: yes.

Laboratory for Molecular Medicine, Mass General Brigham Personalized Medicine
Classification: Benign. Last evaluated: 2012-05-07. Review status: criteria provided, single submitter. Criteria: LMM Criteria. Collection method: clinical testing. Allele origin: germline. Observed: 10 variant alleles.
Comment: 92-11C>A in Intron 01 of OTOA: This variant is not expected to have clinical sig nificance because it has been identified in 8.3% (10/120) of chromosomes from a population in the dbSNP database (rs11 7553471).

Dr. Peter K. Rogan Lab, Western University
No classification provided (evidence only). Condition: Gastric cancer. Review status: no classification provided. Collection method: in vitro. Allele origin: not applicable. Functional consequence: retained intron. Not counted in ClinVar's aggregate classification.